The following is an entry in ClinVar:

ClinVar aggregate classification (germline): Pathogenic (1 of 4 stars; one submission).

Conditions:
Wilson disease (WND). Also called: Wilson's disease. Identifiers: Orphanet 905, MedGen C0019202, MONDO:0010200, OMIM 277900. Disease mechanism: loss of function.

Submission:

Labcorp Genetics (formerly Invitae), Labcorp
Classification: Pathogenic for Wilson disease. Last evaluated: 2022-11-14. Review status: criteria provided, single submitter. Criteria: Invitae Variant Classification Sherloc (09022015). Collection method: clinical testing. Allele origin: germline.
Comment: This sequence change creates a premature translational stop signal (p.Ile1338Leufs*55) in the ATP7B gene. While this is not anticipated to result in nonsense mediated decay, it is expected to disrupt the last 128 amino acid(s) of the ATP7B protein. This variant is not present in population databases (gnomAD no frequency). This variant has not been reported in the literature in individuals affected with ATP7B-related conditions. This variant disrupts a region of the ATP7B protein in which other variant(s) (p.Arg1459Glyfs*2) have been determined to be pathogenic (PMID: 26799313). This suggests that this is a clinically significant region of the protein, and that variants that disrupt it are likely to be disease-causing. For these reasons, this variant has been classified as Pathogenic.

Literature cited by the submitters: PubMed 26799313.

NM_000053.4(ATP7B):c.4011del (p.Ile1338fs)

Gene: ATP7B (ATPase copper transporting beta; minus strand). Cytogenetic location: 13q14.3.
Variant type: Deletion.
Coding change: c.4011del on transcript NM_000053.4 (MANE Select); coding-DNA position 4011, one base deleted (C; older notation c.4011delC).
Protein change: p.Ile1338fs; shifts the reading frame from isoleucine 1338.
Molecular consequence: frameshift variant.
Genome position (GRCh38, 1-based): chr13:51,937,286, G deleted on the plus strand (C on the coding strand, the reverse complement: ATP7B is on the minus strand); the first of 3 consecutive G bases (chr13:51,937,286-51,937,288); deleting any one gives the same sequence. VCF-style (leftmost placement, unchanged base first): chr13-51937285-TG-T. GRCh37 (hg19) VCF-style: chr13-52511421-TG-T.
Other names: c.3390del, p.Ile1131fs (NM_001005918.3); c.3678del, p.Ile1227fs (NM_001243182.2); c.3777del, p.Ile1260fs (NM_001330578.2); c.3759del, p.Ile1254fs (NM_001330579.2); c.4009delC, p.Ile1338Leufs (NM_001406511.1, NM_001406512.1); c.4003delC, p.Ile1336Leufs (NM_001406513.1); c.3976delC, p.Ile1327Leufs (NM_001406514.1); c.3955delC, p.Ile1320Leufs (NM_001406515.1, NM_001406516.1); and 23 more; short protein forms I1131fs, I1254fs, I1227fs, I1260fs, I1338fs.
Identifiers: ClinVar variation 2026966 (VCV002026966.4), dbSNP rs2547563850, ClinGen allele CA2580087695.
Genomic context (GRCh38, chr13:51,937,285, plus strand): 5'-ACAGAAGCCTTTCTGGGCGCAGCTGGAGCACAGTGGGTAAGAGCTGCCTACCTGCTGCAA[TG>T]GGTATCCCAACCAGGTTATAAATCAGTGCCAGGACCAGGTTGATGCGTATCCTTCGGACA-3'